The following is an entry in ClinVar:

NM_001458.5(FLNC):c.805C>T (p.Arg269Ter)

Gene: FLNC (filamin C; plus strand). Cytogenetic location: 7q32.1.
Variant type: single nucleotide variant.
Coding change: c.805C>T on transcript NM_001458.5 (MANE Select); coding-DNA position 805, C replaced by T.
Protein change: p.Arg269Ter; replaces arginine 269 with a stop codon.
Molecular consequence: nonsense.
Genome position (GRCh38, 1-based): chr7:128,837,503, C>T. VCF-style: chr7-128837503-C-T. GRCh37 (hg19) VCF-style: chr7-128477557-C-T.
Other names: c.805C>T, p.Arg269Ter (NM_001127487.2); short protein forms R269*.
Identifiers: ClinVar variation 539411 (VCV000539411.14), dbSNP rs755583250, ClinGen allele CA4474126.

ClinVar aggregate classification (germline): Pathogenic. Review status: criteria provided, multiple submitters, no conflicts (2 of 4 stars). 4 submissions from 4 submitters: Pathogenic (4). Last evaluated 2025-12-12.

Conditions:
Cardiovascular phenotype. Identifiers: MedGen CN230736.
Hypertrophic cardiomyopathy 26. Also called: Cardiomyopathy, familial hypertrophic, 26. Identifiers: Orphanet 75249, MedGen C4310749, MONDO:0014883, OMIM 617047.
Myofibrillar myopathy 5. Also called: Filaminopathy (type); FILAMINOPATHY, AUTOSOMAL DOMINANT. Identifiers: Orphanet 171445, MedGen C1836050, MONDO:0012289, OMIM 609524.
Distal myopathy with posterior leg and anterior hand involvement. Also called: WILLIAMS DISTAL MYOPATHY. Identifiers: Orphanet 63273, MedGen C3279722, MONDO:0013550, OMIM 614065.

Allele frequency attached by ClinVar (database versions not stated): gnomAD exomes below 0.00001; ExAC 0.00001.
gnomAD v4.1: 3 of 1,614,170 alleles (0.00019%); highest among the groups gnomAD compares: South Asian, 0.0011%; no homozygotes.

Submissions (4):

Center for Molecular Medicine, Children’s Hospital of Fudan University
Classification: Pathogenic for Hypertrophic cardiomyopathy 26. Last evaluated: 2025-12-12. Review status: criteria provided, single submitter. Criteria: ACMG Guidelines 2015. Collection method: clinical testing. Allele origin: paternal. Affected: yes.
Comment: PVS1+PS4_Supp+PM2_Supp

GeneDx
Classification: Pathogenic. Last evaluated: 2025-11-04. Review status: criteria provided, single submitter. Criteria: GeneDx Variant Classification Process June 2021. Collection method: clinical testing. Allele origin: germline.
Comment: Not observed at significant frequency in large population cohorts (gnomAD); Nonsense variant predicted to result in protein truncation or nonsense mediated decay in a gene for which loss-of-function is a known mechanism of disease; This variant is associated with the following publications: (PMID: 31514951, 32112656, 30067491, 36396199)

Labcorp Genetics (formerly Invitae), Labcorp
Classification: Pathogenic for Distal myopathy with posterior leg and anterior hand involvement; Myofibrillar myopathy 5; Hypertrophic cardiomyopathy 26. Last evaluated: 2025-08-21. Review status: criteria provided, single submitter. Criteria: Invitae Variant Classification Sherloc (09022015). Collection method: clinical testing. Allele origin: germline.
Comment: This sequence change creates a premature translational stop signal (p.Arg269*) in the FLNC gene. It is expected to result in an absent or disrupted protein product. Loss-of-function variants in FLNC are known to be pathogenic (PMID: 27908349). This variant is present in population databases (rs755583250, gnomAD 0.0009%). This premature translational stop signal has been observed in individual(s) with dilated cardiomyopathy (PMID: 30067491). ClinVar contains an entry for this variant (Variation ID: 539411). For these reasons, this variant has been classified as Pathogenic.

Ambry Genetics
Classification: Pathogenic for Cardiovascular phenotype. Last evaluated: 2023-04-20. Review status: criteria provided, single submitter. Criteria: Ambry Variant Classification Scheme 2023. Collection method: clinical testing. Allele origin: germline.
Comment: The p.R269* pathogenic mutation (also known as c.805C>T), located in coding exon 4 of the FLNC gene, results from a C to T substitution at nucleotide position 805. This changes the amino acid from an arginine to a stop codon within coding exon 4. This variant has been detected in an individual with dilated cardiomyopathy and recurrent sustained ventricular tachycardia (Begay RL et al. JACC Clin Electrophysiol, 2018 Apr;4:504-514). This variant is considered to be rare based on population cohorts in the Genome Aggregation Database (gnomAD). This alteration is expected to result in loss of function by premature protein truncation or nonsense-mediated mRNA decay. Based on the supporting evidence, this variant is expected to be causative of FLNC-related dilated cardiomyopathy; however, its clinical significance for FLNC-related hypertrophy/restrictive cardiomyopathy and/or skeletal myopathy is unclear.

Literature cited by the submitters: PubMed 27908349 (cited by Labcorp Genetics (formerly Invitae), Labcorp); PubMed 30067491 (cited by Labcorp Genetics (formerly Invitae), Labcorp and Ambry Genetics).